The following is an entry in ClinVar:

NM_024426.6(WT1):c.403C>T (p.Pro135Ser)

Genes: WT1 (WT1 transcription factor; minus strand), LOC107982234 (WT1/WT1-AS bi-directional promoter region; plus strand). Cytogenetic location: 11p13.
Variant type: single nucleotide variant.
Coding change: c.403C>T on transcript NM_024426.6 (MANE Select); coding-DNA position 403, C replaced by T.
Protein change: p.Pro135Ser; replaces proline 135 with serine.
Molecular consequence: missense variant. On other transcripts: non-coding transcript variant (2).
Genome position (GRCh38, 1-based): chr11:32,434,958, G>A on the plus strand (C>T on the coding strand, the complement: WT1 is on the minus strand). VCF-style: chr11-32434958-G-A. GRCh37 (hg19) VCF-style: chr11-32456504-G-A.
Other names: c.403C>T, p.Pro135Ser (NM_000378.6, NM_001407044.1, NM_001407045.1 and 6 more transcripts); c.184C>T, p.Pro62Ser (NM_001429031.1, NM_001429032.1, NM_001429033.1 and 1 more transcripts); short protein forms P135S, P130S, P62S.
Identifiers: ClinVar variation 3470987 (VCV003470987.3).
Genomic context (GRCh38, chr11:32,434,958, plus strand): 5'-CCGCGCCGCCCCAGCTCGGCTCCTGTTTGATGAAGGAGTGAGGCGGCGGCGGCGGGGGTG[G>A]CGGCGGAGCCGGTGGCGGCGCGGGGCCGCCCAACGACCCGTAAGCCGAAGCGCCCGGGGG-3'
Protein context (NP_077744.4, residues 125-145): GGPAPPPAPP[Pro135Ser]PPPPPPHSFI

ClinVar aggregate classification (germline): Uncertain significance. Review status: criteria provided, multiple submitters, no conflicts (2 of 4 stars). 2 submissions from 2 submitters: Uncertain significance (2). Last evaluated 2024-10-24.

Conditions:
Wilms tumor 1 (WT1). Also called: Wilms tumor, somatic. Identifiers: Orphanet 654, MedGen CN033288, MONDO:0008679, OMIM 194070.
11p partial monosomy syndrome (WAGR). Also called: WAGR Spectrum Disorder; CHROMOSOME 11p13 DELETION SYNDROME; WAGR syndrome; WAGR Complex. Identifiers: Orphanet 893, MedGen C0206115, MONDO:0008681, OMIM 194072.
Drash syndrome (DDS). Also called: NEPHROPATHY, WILMS TUMOR, AND GENITAL ANOMALIES; WILMS TUMOR AND PSEUDO- OR TRUE HERMAPHRODITISM. Identifiers: Orphanet 220, MedGen C0950121, MONDO:0008682, OMIM 194080.
Frasier syndrome. Identifiers: Orphanet 347, MedGen C0950122, MeSH D052159, MONDO:0007635, OMIM 136680.
Inborn genetic diseases. Identifiers: MedGen C0950123, MeSH D030342.

Submissions (2):

Labcorp Genetics (formerly Invitae), Labcorp
Classification: Uncertain significance for Wilms tumor 1; Drash syndrome; 11p partial monosomy syndrome; Frasier syndrome. Last evaluated: 2024-10-24. Review status: criteria provided, single submitter. Criteria: Invitae Variant Classification Sherloc (09022015). Collection method: clinical testing. Allele origin: germline.
Comment: This sequence change replaces proline, which is neutral and non-polar, with serine, which is neutral and polar, at codon 130 of the WT1 protein (p.Pro130Ser). This variant is not present in population databases (gnomAD no frequency). This variant has not been reported in the literature in individuals affected with WT1-related conditions. Invitae Evidence Modeling of protein sequence and biophysical properties (such as structural, functional, and spatial information, amino acid conservation, physicochemical variation, residue mobility, and thermodynamic stability) has been performed for this missense variant. However, the output from this modeling did not meet the statistical confidence thresholds required to predict the impact of this variant on WT1 protein function. In summary, the available evidence is currently insufficient to determine the role of this variant in disease. Therefore, it has been classified as a Variant of Uncertain Significance.

Ambry Genetics
Classification: Uncertain significance for Inborn genetic diseases. Last evaluated: 2024-07-09. Review status: criteria provided, single submitter. Criteria: Ambry Variant Classification Scheme 2023. Collection method: clinical testing. Allele origin: germline.